The following is an entry in ClinVar:

ClinVar aggregate classification (germline): Uncertain significance (1 of 4 stars; one submission).

Conditions:
Hereditary cancer-predisposing syndrome. Also called: Hereditary neoplastic syndrome; Neoplastic Syndromes, Hereditary; Tumor predisposition; Hereditary Cancer Syndrome. Identifiers: Orphanet 140162, MedGen C0027672, MeSH D009386, MONDO:0015356.

Submission:

Ambry Genetics
Classification: Uncertain significance for Hereditary cancer-predisposing syndrome. Last evaluated: 2019-09-12. Review status: criteria provided, single submitter. Criteria: Ambry Variant Classification Scheme 2023. Collection method: clinical testing. Allele origin: germline.
Comment: The p.P2575L variant (also known as c.7724C>T), located in coding exon 51 of the ATM gene, results from a C to T substitution at nucleotide position 7724. The proline at codon 2575 is replaced by leucine, an amino acid with similar properties. This amino acid position is well conserved in available vertebrate species. In addition, the in silico prediction for this alteration is inconclusive. Since supporting evidence is limited at this time, the clinical significance of this alteration remains unclear.

NM_000051.4(ATM):c.7724C>T (p.Pro2575Leu)

Genes: ATM (ATM serine/threonine kinase; plus strand), C11orf65 (chromosome 11 open reading frame 65; minus strand). Cytogenetic location: 11q22.3.
Variant type: single nucleotide variant.
Coding change: c.7724C>T on transcript NM_000051.4 (MANE Select); coding-DNA position 7724, C replaced by T.
Protein change: p.Pro2575Leu; replaces proline 2575 with leucine.
Molecular consequence: missense variant. On other transcripts: intron variant (2).
Genome position (GRCh38, 1-based): chr11:108,331,973, C>T. VCF-style: chr11-108331973-C-T. GRCh37 (hg19) VCF-style: chr11-108202700-C-T.
Other names: c.7724C>T, p.Pro2575Leu (NM_001351834.2); c.641-22902G>A (NM_001330368.2); c.*38+3247G>A (NM_001351110.2); short protein forms P2575L.
Identifiers: ClinVar variation 1760326 (VCV001760326.2), dbSNP rs1591172186, ClinGen allele CA382561092.